The following is an entry in ClinVar:

NM_004484.4(GPC3):c.209C>T (p.Pro70Leu)

Gene: GPC3 (glypican 3; minus strand). Cytogenetic location: Xq26.2.
Variant type: single nucleotide variant.
Coding change: c.209C>T on transcript NM_004484.4 (MANE Select); coding-DNA position 209, C replaced by T.
Protein change: p.Pro70Leu; replaces proline 70 with leucine.
Molecular consequence: missense variant. On other transcripts: intron variant (1).
Genome position (GRCh38, 1-based): chrX:133,953,178, G>A on the plus strand (C>T on the coding strand, the complement: GPC3 is on the minus strand). VCF-style: chrX-133953178-G-A. GRCh37 (hg19) VCF-style: chrX-133087205-G-A.
Other names: c.209C>T, p.Pro70Leu (NM_001164617.2, NM_001164618.2); c.175+32097C>T (NM_001164619.2); short protein forms P70L.
Identifiers: ClinVar variation 2729328 (VCV002729328.3), dbSNP rs1057444383, ClinGen allele CA335995646.

ClinVar aggregate classification (germline): Uncertain significance (1 of 4 stars; one submission).

Conditions:
Wilms tumor 1 (WT1). Also called: Wilms tumor, somatic. Identifiers: Orphanet 654, MedGen CN033288, MONDO:0008679, OMIM 194070.

Submission:

Labcorp Genetics (formerly Invitae), Labcorp
Classification: Uncertain significance for Wilms tumor 1. Last evaluated: 2023-07-03. Review status: criteria provided, single submitter. Criteria: Invitae Variant Classification Sherloc (09022015). Collection method: clinical testing. Allele origin: germline.
Comment: In summary, the available evidence is currently insufficient to determine the role of this variant in disease. Therefore, it has been classified as a Variant of Uncertain Significance. Advanced modeling of protein sequence and biophysical properties (such as structural, functional, and spatial information, amino acid conservation, physicochemical variation, residue mobility, and thermodynamic stability) performed at Invitae indicates that this missense variant is not expected to disrupt GPC3 protein function. This variant has not been reported in the literature in individuals affected with GPC3-related conditions. This variant is not present in population databases (gnomAD no frequency). This sequence change replaces proline, which is neutral and non-polar, with leucine, which is neutral and non-polar, at codon 70 of the GPC3 protein (p.Pro70Leu).